The following is an entry in ClinVar:

ClinVar aggregate classification (germline): Benign (1 of 4 stars; one submission).

Allele frequency attached by ClinVar (database versions not stated): gnomAD exomes 0.03354; gnomAD 0.10002 and 0.10417; TOPMed 0.11071; 1000 Genomes Project 0.13079; 1000 Genomes Project 30x 0.13445.
gnomAD v4.1: 33,379 of 682,398 alleles (4.9%); highest among the groups gnomAD compares: African/African-American, 28%; 2,568 homozygotes.

Submission:

GeneDx
Classification: Benign. Last evaluated: 2018-06-14. Review status: criteria provided, single submitter. Criteria: GeneDx Variant Classification (06012015). Collection method: clinical testing. Allele origin: germline. Affected: yes.
Comment: This variant is considered likely benign or benign based on one or more of the following criteria: it is a conservative change, it occurs at a poorly conserved position in the protein, it is predicted to be benign by multiple in silico algorithms, and/or has population frequency not consistent with disease.

NM_000090.4(COL3A1):c.853-127A>G

Gene: COL3A1 (collagen type III alpha 1 chain; plus strand). Cytogenetic location: 2q32.2.
Variant type: single nucleotide variant.
Coding change: c.853-127A>G on transcript NM_000090.4 (MANE Select); 127 bases into the intron before coding-DNA position 853, A replaced by G.
Molecular consequence: intron variant.
Genome position (GRCh38, 1-based): chr2:188,991,360, A>G. VCF-style: chr2-188991360-A-G. GRCh37 (hg19) VCF-style: chr2-189856086-A-G.
Identifiers: ClinVar variation 671055 (VCV000671055.1), dbSNP rs3736488, ClinGen allele CA62592549.
Genomic context (GRCh38, chr2:188,991,360, plus strand): 5'-AGTCTTTAAGTTTTTAAATACAGAAATTGAGATTTCTGGTAAATAAAATACTAACAGAAA[A>G]TTAATATTGTTAAAATGTATATCTTTTTCTAGGCTCTATAAACTTTTCCATAATATTCTG-3'